The following is an entry in ClinVar:

ClinVar aggregate classification (germline): Pathogenic. Review status: criteria provided, multiple submitters, no conflicts (2 of 4 stars). 7 submissions from 7 submitters: Pathogenic (7). Last evaluated 2026-08-01.

Conditions:
Cardiomyopathy (CMYO). Also called: Cardiomyopathies. Identifiers: Orphanet 167848, MedGen C0878544, MONDO:0004994, HP:0001638. Inheritance: Various modes of inheritance.
Hypertrophic cardiomyopathy 4. Also called: Familial hypertrophic cardiomyopathy 4. Identifiers: MedGen C1861862, MONDO:0007268, OMIM 115197.
Hypertrophic cardiomyopathy. Also called: HYPERTROPHIC MYOCARDIOPATHY. Identifiers: Orphanet 217569, MedGen C0007194, MeSH D002312, MONDO:0005045, HP:0001639.
Cardiovascular phenotype. Identifiers: MedGen CN230736.

Allele frequency attached by ClinVar (database versions not stated): gnomAD exomes below 0.00001.

Submissions (7):

CeGaT Center for Human Genetics Tuebingen
Classification: Pathogenic. Last evaluated: 2026-08-01. Review status: criteria provided, single submitter. Criteria: CeGaT Center For Human Genetics Tuebingen Variant Classification Criteria Version 2. Collection method: clinical testing. Allele origin: germline. Affected: yes. Observed: 1 variant allele.
Comment: MYBPC3: PVS1, PM2, PS4:Moderate

Women's Health and Genetics/Laboratory Corporation of America, LabCorp
Classification: Pathogenic for Cardiomyopathy. Last evaluated: 2025-12-09. Review status: criteria provided, single submitter. Criteria: LabCorp Variant Classification Summary - May 2015. Collection method: clinical testing. Allele origin: germline.
Comment: Variant summary: MYBPC3 c.25+1G>A is located in a canonical splice-site and is predicted to affect mRNA splicing resulting in a significantly altered protein due to either exon skipping, shortening, or inclusion of intronic material. Variants that disrupt the consensus splice site are a relatively common cause of aberrant splicing and loss of MYBPC3 function. Several computational tools predict a significant impact on normal splicing: Four predict the variant abolishes a 5' splicing donor site. However, these predictions have yet to be confirmed by functional studies. The variant was absent in 233536 control chromosomes. c.25+1G>A has been observed in individuals affected with Hypertrophic Cardiomyopathy, including a proband who inherited the variant from their affected mother (e.g. Ross_2017, Vadgama_2022). These data indicate that the variant is likely to be associated with disease. To our knowledge, no experimental evidence demonstrating an impact on protein function has been reported. The following publications have been ascertained in the context of this evaluation (PMID: 28615295, 36357925). ClinVar contains an entry for this variant (Variation ID: 810740). Based on the evidence outlined above, the variant was classified as pathogenic.

Labcorp Genetics (formerly Invitae), Labcorp
Classification: Pathogenic for Hypertrophic cardiomyopathy. Last evaluated: 2025-10-19. Review status: criteria provided, single submitter. Criteria: Invitae Variant Classification Sherloc (09022015). Collection method: clinical testing. Allele origin: germline.
Comment: This sequence change affects a donor splice site in intron 1 of the MYBPC3 gene. It is expected to disrupt RNA splicing. Variants that disrupt the donor or acceptor splice site typically lead to a loss of protein function (PMID: 16199547), and loss-of-function variants in MYBPC3 are known to be pathogenic (PMID: 19574547). This variant is not present in population databases (gnomAD no frequency). Disruption of this splice site has been observed in individuals with hypertrophic cardiomyopathy (PMID: 27532257, 28615295). ClinVar contains an entry for this variant (Variation ID: 810740). For these reasons, this variant has been classified as Pathogenic.

Ambry Genetics
Classification: Pathogenic for Cardiovascular phenotype. Last evaluated: 2024-08-07. Review status: criteria provided, single submitter. Criteria: Ambry Variant Classification Scheme 2023. Collection method: clinical testing. Allele origin: germline.
Comment: The c.25+1G>A intronic pathogenic mutation results from a G to A substitution one nucleotide after coding exon 1 of the MYBPC3 gene. This alteration has been detected in individuals with hypertrophic cardiomyopathy (HCM) and in an HCM genetic testing cohort, although clinical details were limited (Ross SB et al. Circ Cardiovasc Genet, 2017 Jun;10:; Walsh R et al. Genet Med, 2017 02;19:192-203). The stop codon in the predicted resulting transcript occurs within the first 150 nucleotides ofthe MYBPC3 gene. As such, this alteration may escape nonsense-mediated mRNAdecay and/or be prone to rescue by reinitiation (Rivas et al. Science. 2015 May 8;348(6235):666-9; Lindeboom et al. Nat Genet. 2016 Oct;48(10):1112-8; Rhee et al. Sci Rep. 2017 May 10;7(1):1653). The exact functional effect of this alteration is unknown; however, the impacted region is critical for protein function (Ambry internal data). This variant is considered to be rare based on population cohorts in the Genome Aggregation Database (gnomAD). This nucleotide position is highly conserved in available vertebrate species. In silico splice site analysis predicts that this alteration will weaken the native splice donor site. In addition to the clinical data in the literature, alterations that disrupt the canonical splice site are expected to cause aberrant splicing, resulting in an abnormal protein or a transcript that is subject to nonsense-mediated mRNA decay. Based on the supporting evidence, this alteration is interpreted as a disease-causing mutation.

All of Us Research Program, National Institutes of Health
Classification: Pathogenic for Hypertrophic cardiomyopathy. Last evaluated: 2024-03-05. Review status: criteria provided, single submitter. Criteria: ACMG Guidelines, 2015. Collection method: clinical testing. Allele origin: germline. Inheritance: Autosomal dominant inheritance. Observed: 1 variant allele, 1 heterozygote.
Comment: The c.25+1G>A variant is located at the canonical splice site of intron 1 of the MYBPC3 gene. It is predicted to result in donor loss (SpliceAI delta score: 0.99), resulting in abnormal splicing and disrupted protein product. This variant has been identified in multiple unrelated individuals with hypertrophic cardiomyopathy (PMID: 27532257, 28615295, 36357925, 28790153, 37821546). This variant has been observed to segregate with HCM disease in 1 family (PMID: 36357925 ). Loss-of-function variants in MYBPC3 are known to be pathogenic (PMID: 23816408, 7493025, 19574547). The variant is absent in the general population according to gnomAD. Therefore, the c.25+1G>A variant of MYBPC3 has been classified as pathogenic.

This study involves interpretation of variants in research participants for the purpose of population health screening. Participant phenotype was not available at the time of variant classification. Additional details can be found in publication PMID: 35346344, PMCID: PMC8962531

Victorian Clinical Genetics Services, Murdoch Childrens Research Institute
Classification: Pathogenic for Hypertrophic cardiomyopathy 4. Last evaluated: 2022-02-02. Review status: criteria provided, single submitter. Criteria: ACMG Guidelines, 2015. Collection method: clinical testing. Allele origin: germline.
Comment: Based on the classification scheme VCGS_Germline_v1.3.4, this variant is classified as Pathogenic. Following criteria are met: 0102 - Loss of function is a known mechanism of disease in this gene and is associated with hypertrophic cardiomyopathy 4 (HCM; MIM#115197). (I) 0108 - This gene is associated with both recessive and dominant disease. Dominant inheritance is frequently reported in adult onset conditions, however recessive inheritance results in a more severe early onset phenotype (OMIM). (I) 0115 - Variants in this gene are known to have variable expressivity (PMID: 32841044). (I) 0211 - Canonical splice site variant without proven consequence on splicing (no functional evidence available). (SP) 0251 - This variant is heterozygous. (I) 0301 - Variant is absent from gnomAD (both v2 and v3). (SP) 0505 - Abnormal splicing is predicted by in silico tools and affected nucleotide is highly conserved. (SP) 0705 - No comparable variants on this donor splice site have previous evidence for pathogenicity. (I) 0802 - This variant has moderate previous evidence of pathogenicity in unrelated individuals. It has been reported in four unrelated individuals with HCM (ClinVar, PMIDs: 27532257, 28615295, 28408708). (SP) 0905 - No published segregation evidence has been identified for this variant. (I) 1007 - No published functional evidence has been identified for this variant. (I) 1208 - Inheritance information for this variant is not currently available in this individual. (I) Legend: (SP) - Supporting pathogenic, (I) - Information, (SB) - Supporting benign

Agnes Ginges Centre for Molecular Cardiology, Centenary Institute
Classification: Pathogenic for Hypertrophic cardiomyopathy 4. Last evaluated: 2018-10-16. Review status: criteria provided, single submitter. Criteria: ACMG Guidelines, 2015. Collection method: research. Allele origin: germline. Inheritance: Autosomal dominant inheritance. Affected: yes.
Comment: This MYBPC3 c.25+1G>A has been previously identified in 2 HCM probands (Walsh R, et al., 2017). This variant is absent from the Genome Aggregation Database. We have identified this variant in two unrelated individuals diagnosed with HCM (Ross SB et al., 2017). This MYBPC3 c.25+1G>A variant affects the highly conserved splice donor canonical sequence, and is therefore predicted to cause abnormal splicing. Loss-of-function variants in MYBPC3 are a known mechanism of disease in HCM and splice variants in this gene have been shown to be disease-causing. Furthermore, a splice variant located in the same intron of this gene (splice acceptor site; c.26-2A>G) has been established to be disease-causing. Hence, we classify this MYBPC3 splice variant c.25+1G>A as "Pathogenic".

Literature cited by the submitters: PubMed 28615295 (cited by 6 submitters); PubMed 36357925 (cited by Women's Health and Genetics/Laboratory Corporation of America, LabCorp and All of Us Research Program, National Institutes of Health); PubMed 16199547 (cited by Labcorp Genetics (formerly Invitae), Labcorp); PubMed 19574547 (cited by Labcorp Genetics (formerly Invitae), Labcorp and All of Us Research Program, National Institutes of Health); PubMed 27532257 (cited by 5 submitters); PubMed 7493025 (cited by All of Us Research Program, National Institutes of Health); PubMed 23816408 (cited by All of Us Research Program, National Institutes of Health); PubMed 28790153 (cited by All of Us Research Program, National Institutes of Health); PubMed 37821546 (cited by All of Us Research Program, National Institutes of Health); PubMed 28408708 (cited by Victorian Clinical Genetics Services, Murdoch Childrens Research Institute); PubMed 32841044 (cited by Victorian Clinical Genetics Services, Murdoch Childrens Research Institute).

NM_000256.3(MYBPC3):c.25+1G>A

Gene: MYBPC3 (myosin binding protein C3; minus strand). Cytogenetic location: 11p11.2.
Variant type: single nucleotide variant.
Coding change: c.25+1G>A on transcript NM_000256.3 (MANE Select); the canonical splice donor site of the intron after coding-DNA position 25, G replaced by A.
Molecular consequence: splice donor variant.
Genome position (GRCh38, 1-based): chr11:47,352,622, C>T on the plus strand (G>A on the coding strand, the complement: MYBPC3 is on the minus strand). VCF-style: chr11-47352622-C-T. GRCh37 (hg19) VCF-style: chr11-47374173-C-T.
Identifiers: ClinVar variation 810740 (VCV000810740.14), dbSNP rs113709679, ClinGen allele CA380342700.
Genomic context (GRCh38, chr11:47,352,622, plus strand): 5'-TCCCCAATTGTAGACACCCCCCTGCTCCCACACTTAGACCCAACCCCAGTCCTAAAGCTA[C>T]CTGGCTTCTTCCCCGGCTCAGGCATCCTGAGAGACGTCACACCAGGCACGAAGCAGGCAC-3'